The following is an entry in ClinVar:

NC_000005.10:g.112849375T>A

Variant type: single nucleotide variant.
Genome position: GRCh38 VCF-style: chr5-112849375-T-A. GRCh37 (hg19) VCF-style: chr5-112185072-T-A.
Identifiers: ClinVar variation 83287 (VCV000083287.3), dbSNP rs78959697, ClinGen allele CA250979.

ClinVar aggregate classification (germline): other (0 of 4 stars; one submission).

Conditions:
Familial colorectal cancer. Identifiers: MedGen CN280943, MONDO:0023113. Disease mechanism: loss of function.

Submission:

Systems Biology Platform Zhejiang California International NanoSystems Institute
Classification: other for Familial colorectal cancer. Review status: no assertion criteria provided. Collection method: not provided. Allele origin: unknown.
ClinVar note: Converted during submission from cancer to other.